The following is an entry in ClinVar:

ClinVar aggregate classification (germline): Uncertain significance (1 of 4 stars; one submission).

Conditions:
Fanconi anemia complementation group J. Also called: BRIP1-Related Fanconi Anemia. Identifiers: Orphanet 84, MedGen C1836860, MONDO:0012187, OMIM 609054.
Familial cancer of breast. Also called: BREAST CANCER, FAMILIAL; Hereditary breast cancer; hereditary breast carcinoma. Identifiers: Orphanet 227535, MedGen C0346153, MONDO:0016419, OMIM 114480. Disease mechanism: loss of function.

Submission:

Labcorp Genetics (formerly Invitae), Labcorp
Classification: Uncertain significance for Familial cancer of breast; Fanconi anemia complementation group J. Last evaluated: 2023-08-23. Review status: criteria provided, single submitter. Criteria: Invitae Variant Classification Sherloc (09022015). Collection method: clinical testing. Allele origin: germline.
Comment: In summary, the available evidence is currently insufficient to determine the role of this variant in disease. Therefore, it has been classified as a Variant of Uncertain Significance. Advanced modeling of protein sequence and biophysical properties (such as structural, functional, and spatial information, amino acid conservation, physicochemical variation, residue mobility, and thermodynamic stability) performed at Invitae indicates that this missense variant is not expected to disrupt BRIP1 protein function. This variant has not been reported in the literature in individuals affected with BRIP1-related conditions. This variant is not present in population databases (gnomAD no frequency). This sequence change replaces aspartic acid, which is acidic and polar, with glycine, which is neutral and non-polar, at codon 898 of the BRIP1 protein (p.Asp898Gly).

NM_032043.3(BRIP1):c.2693A>G (p.Asp898Gly)

Gene: BRIP1 (BRCA1 interacting DNA helicase 1; minus strand). Cytogenetic location: 17q23.2.
Variant type: single nucleotide variant.
Coding change: c.2693A>G on transcript NM_032043.3 (MANE Select); coding-DNA position 2693, A replaced by G.
Protein change: p.Asp898Gly; replaces aspartic acid 898 with glycine.
Molecular consequence: missense variant.
Genome position (GRCh38, 1-based): chr17:61,686,048, T>C on the plus strand (A>G on the coding strand, the complement: BRIP1 is on the minus strand). VCF-style: chr17-61686048-T-C. GRCh37 (hg19) VCF-style: chr17-59763409-T-C.
Other names: short protein forms D898G.
Identifiers: ClinVar variation 2951212 (VCV002951212.3), dbSNP rs752340544, ClinGen allele CA400481728.